The following is an entry in ClinVar:

NM_152594.3(SPRED1):c.167C>T (p.Ala56Val)

Gene: SPRED1 (sprouty related EVH1 domain containing 1; plus strand). Cytogenetic location: 15q14.
Variant type: single nucleotide variant.
Coding change: c.167C>T on transcript NM_152594.3 (MANE Select); coding-DNA position 167, C replaced by T.
Protein change: p.Ala56Val; replaces alanine 56 with valine.
Molecular consequence: missense variant.
Genome position (GRCh38, 1-based): chr15:38,299,507, C>T. VCF-style: chr15-38299507-C-T. GRCh37 (hg19) VCF-style: chr15-38591708-C-T.
Other names: short protein forms A56V.
Identifiers: ClinVar variation 3448793 (VCV003448793.1).
Genomic context (GRCh38, chr15:38,299,507, plus strand): 5'-GGAGTGGACTAAGCAGCGTCACTGTCTTCAAAGTCCCTCATCAGGAAGAGAATGGCTGTG[C>T]TGACTTTTTTATCCGTGGAGAGCGACTCAGGGACAAAATGGTAATGAATAATGTATCTAA-3'
Protein context (NP_689807.1, residues 46-66): KVPHQEENGC[Ala56Val]DFFIRGERLR

ClinVar aggregate classification (germline): Uncertain significance (1 of 4 stars; one submission).

Conditions:
Cardiovascular phenotype. Identifiers: MedGen CN230736.

gnomAD v4.1: 1 of 1,613,968 alleles (0.000062%); highest among the groups gnomAD compares: Non-Finnish European, 0.000085%; no homozygotes.

Submission:

Ambry Genetics
Classification: Uncertain significance for Cardiovascular phenotype. Last evaluated: 2024-11-24. Review status: criteria provided, single submitter. Criteria: Ambry Variant Classification Scheme 2023. Collection method: clinical testing. Allele origin: germline.
Comment: The p.A56V variant (also known as c.167C>T), located in coding exon 2 of the SPRED1 gene, results from a C to T substitution at nucleotide position 167. The alanine at codon 56 is replaced by valine, an amino acid with similar properties. This amino acid position is conserved. In addition, the in silico prediction for this alteration is inconclusive. Based on the available evidence, the clinical significance of this variant remains unclear.